The following is an entry in ClinVar:

NM_002098.6(GUCA1B):c.253G>A (p.Val85Met)

Gene: GUCA1B (guanylate cyclase activator 1B; minus strand). Cytogenetic location: 6p21.1.
Variant type: single nucleotide variant.
Coding change: c.253G>A on transcript NM_002098.6 (MANE Select); coding-DNA position 253, G replaced by A.
Protein change: p.Val85Met; replaces valine 85 with methionine.
Molecular consequence: missense variant.
Genome position (GRCh38, 1-based): chr6:42,188,686, C>T on the plus strand (G>A on the coding strand, the complement: GUCA1B is on the minus strand). VCF-style: chr6-42188686-C-T. GRCh37 (hg19) VCF-style: chr6-42156424-C-T.
Other names: short protein forms V85M.
Identifiers: ClinVar variation 100571 (VCV000100571.26), dbSNP rs137853903, ClinGen allele CA228900.

ClinVar aggregate classification (germline): Benign/Likely benign. Review status: criteria provided, multiple submitters, no conflicts (2 of 4 stars). 7 submissions from 7 submitters: Benign (3); Likely benign (3). 1 of the submissions does not count toward it. Last evaluated 2026-05-01.

Conditions:
Retinitis pigmentosa (RP). Identifiers: Orphanet 791, MedGen C0035334, MeSH D012174, MONDO:0019200, OMIM 268000. Inheritance: Autosomal dominant, autosomal recessive and X linked inheritance.
Retinitis pigmentosa 48 (RP48). Also called: GUCA1B-Related Retinitis Pigmentosa. Identifiers: Orphanet 791, MedGen C3151190, MONDO:0013447, OMIM 613827.

Allele frequency attached by ClinVar (database versions not stated): ExAC 0.00138; gnomAD 0.00490 and 0.00521; ESP Exome Variant Server 0.00492; TOPMed 0.00528; gnomAD exomes 0.00049 and 0.00126; 1000 Genomes Project 30x 0.00547; 1000 Genomes Project 0.00559.
gnomAD v4.1: 1,502 of 1,614,084 alleles (0.093%); highest among the groups gnomAD compares: African/African-American, 1.5%; 18 homozygotes.

Submissions (7):

CeGaT Center for Human Genetics Tuebingen
Classification: Benign. Last evaluated: 2026-05-01. Review status: criteria provided, single submitter. Criteria: CeGaT Center For Human Genetics Tuebingen Variant Classification Criteria Version 2. Collection method: clinical testing. Allele origin: germline. Affected: yes. Observed: 1 variant allele.
Comment: GUCA1B: BS1, BS2

Labcorp Genetics (formerly Invitae), Labcorp
Classification: Benign. Last evaluated: 2026-01-24. Review status: criteria provided, single submitter. Criteria: Invitae Variant Classification Sherloc (09022015). Collection method: clinical testing. Allele origin: germline.

Genomic Medicine Center of Excellence, King Faisal Specialist Hospital and Research Centre
Classification: Likely benign. Last evaluated: 2025-08-18. Review status: criteria provided, single submitter. Criteria: ACMG Guidelines, 2015. Collection method: clinical testing. Allele origin: germline.

ARUP Laboratories, Molecular Genetics and Genomics, ARUP Laboratories
Classification: Benign for Retinitis pigmentosa 48. Last evaluated: 2018-12-13. Review status: criteria provided, single submitter. Criteria: ARUP Molecular Germline Variant Investigation Process. Collection method: clinical testing. Allele origin: germline.

Illumina Laboratory Services, Illumina
Classification: Likely benign for Retinitis pigmentosa. Last evaluated: 2017-04-28. Review status: criteria provided, single submitter. Criteria: ICSL Variant Classification Criteria 13 December 2019. Collection method: clinical testing. Allele origin: germline.
Comment: This variant was observed as part of a predisposition screen in an ostensibly healthy population. A literature search was performed for the gene, cDNA change, and amino acid change (where applicable). Publications were found based on this search. The evidence from the literature, in combination with allele frequency data from public databases where available, was sufficient to determine this variant is unlikely to cause disease. Therefore, this variant is classified as likely benign.

Breakthrough Genomics
Classification: Likely benign. Review status: criteria provided, single submitter. Criteria: ACMG Guidelines, 2015. Collection method: not provided. Allele origin: germline. Inheritance: Unknown mechanism. Affected: yes.

NEI Ophthalmic Genomics Laboratory, National Institutes of Health
No classification provided. Review status: no classification provided. Collection method: not provided. Allele origin: not provided. Not counted in ClinVar's aggregate classification.

Literature cited by the submitters: PubMed 15505030 (cited by Illumina Laboratory Services, Illumina); PubMed 22025579 (cited by Illumina Laboratory Services, Illumina).